The following is an entry in ClinVar:

ClinVar aggregate classification (germline): Likely benign (0 of 4 stars; one submission).

Conditions:
DYRK1B-related disorder. Also called: DYRK1B-related condition.

Allele frequency attached by ClinVar (database versions not stated): TOPMed 0.00002; gnomAD 0.00004; gnomAD exomes 0.00005; ExAC 0.00011.

Submission:

PreventionGenetics, part of Exact Sciences
Classification: Likely benign for DYRK1B-related condition. Last evaluated: 2021-10-13. Review status: no assertion criteria provided. Collection method: clinical testing. Allele origin: germline.
Comment: This variant is classified as likely benign based on ACMG/AMP sequence variant interpretation guidelines (Richards et al. 2015 PMID: 25741868, with internal and published modifications).

NM_004714.3(DYRK1B):c.258G>A (p.Lys86=)

Gene: DYRK1B (dual specificity tyrosine phosphorylation regulated kinase 1B; minus strand). Cytogenetic location: 19q13.2.
Variant type: single nucleotide variant.
Coding change: c.258G>A on transcript NM_004714.3 (MANE Select); coding-DNA position 258, G replaced by A.
Protein change: p.Lys86=; no amino-acid change (lysine 86 retained).
Molecular consequence: synonymous variant.
Genome position (GRCh38, 1-based): chr19:39,830,489, C>T on the plus strand (G>A on the coding strand, the complement: DYRK1B is on the minus strand). VCF-style: chr19-39830489-C-T. GRCh37 (hg19) VCF-style: chr19-40321129-C-T.
Other names: c.258G>A, p.Lys86= (NM_006483.3, NM_006484.3).
Identifiers: ClinVar variation 3061292 (VCV003061292.2), dbSNP rs769617031, ClinGen allele CA9434377.